The following is an entry in ClinVar:

ClinVar aggregate classification (germline): Uncertain significance. Review status: criteria provided, multiple submitters, no conflicts (2 of 4 stars). 2 submissions from 2 submitters: Uncertain significance (2). Last evaluated 2025-07-01.

Conditions:
Inborn genetic diseases. Identifiers: MedGen C0950123, MeSH D030342.

Allele frequency attached by ClinVar (database versions not stated): gnomAD exomes 0.00001; ExAC 0.00002.
gnomAD v4.1: 18 of 1,613,546 alleles (0.0011%); highest among the groups gnomAD compares: South Asian, 0.018%; no homozygotes.

Submissions (2):

Ambry Genetics
Classification: Uncertain significance for Inborn genetic diseases. Last evaluated: 2025-07-01. Review status: criteria provided, single submitter. Criteria: Ambry Variant Classification Scheme 2023. Collection method: clinical testing. Allele origin: germline.

Labcorp Genetics (formerly Invitae), Labcorp
Classification: Uncertain significance. Last evaluated: 2025-06-12. Review status: criteria provided, single submitter. Criteria: Invitae Variant Classification Sherloc (09022015). Collection method: clinical testing. Allele origin: germline.
Comment: This sequence change replaces asparagine, which is neutral and polar, with serine, which is neutral and polar, at codon 716 of the DHX37 protein (p.Asn716Ser). This variant is present in population databases (rs759969141, gnomAD 0.01%). This variant has not been reported in the literature in individuals affected with DHX37-related conditions. ClinVar contains an entry for this variant (Variation ID: 2102004). Invitae Evidence Modeling of protein sequence and biophysical properties (such as structural, functional, and spatial information, amino acid conservation, physicochemical variation, residue mobility, and thermodynamic stability) indicates that this missense variant is not expected to disrupt DHX37 protein function with a negative predictive value of 80%. In summary, the available evidence is currently insufficient to determine the role of this variant in disease. Therefore, it has been classified as a Variant of Uncertain Significance.

NM_032656.4(DHX37):c.2147A>G (p.Asn716Ser)

Gene: DHX37 (DEAH-box helicase 37; minus strand). Cytogenetic location: 12q24.31.
Variant type: single nucleotide variant.
Coding change: c.2147A>G on transcript NM_032656.4 (MANE Select); coding-DNA position 2147, A replaced by G.
Protein change: p.Asn716Ser; replaces asparagine 716 with serine.
Molecular consequence: missense variant.
Genome position (GRCh38, 1-based): chr12:124,960,322, T>C on the plus strand (A>G on the coding strand, the complement: DHX37 is on the minus strand). VCF-style: chr12-124960322-T-C. GRCh37 (hg19) VCF-style: chr12-125444868-T-C.
Other names: short protein forms N716S.
Identifiers: ClinVar variation 2102004 (VCV002102004.6), dbSNP rs759969141, ClinGen allele CA6871757.
Genomic context (GRCh38, chr12:124,960,322, plus strand): 5'-GAGGTGGTCCACTGGGGTGGCTGAGAGCGGGGCTGGGGGCAGCAACTGACCTTTTCAACG[T>C]TGAGCGCCTTCATTTGAAGGATTAAGTCTTCAACAGGCCTCCGGGTGATTTCTGGAGGAG-3'
Protein context (NP_116045.2, residues 706-726): EDLILQMKAL[Asn716Ser]VEKVINFPFP